The following is an entry in ClinVar:

ClinVar aggregate classification (germline): Uncertain significance. Review status: criteria provided, multiple submitters, no conflicts (2 of 4 stars). 2 submissions from 2 submitters: Uncertain significance (2). Last evaluated 2025-06-06.

Conditions:
EVC2-related disorder. Also called: EVC2-related condition.
Ellis-van Creveld syndrome (EVC). Also called: MESOECTODERMAL DYSPLASIA; Chondroectodermal dysplasia. Identifiers: Orphanet 289, MedGen C0013903, MONDO:0009162, OMIM 225500.
Curry-Hall syndrome (WAD). Also called: WEYERS ACRODENTAL DYSOSTOSIS. Identifiers: Orphanet 952, MedGen C0457013, MONDO:0008673, OMIM 193530.

gnomAD v4.1: 11 of 1,613,362 alleles (0.00068%); highest among the groups gnomAD compares: African/African-American, 0.012%; no homozygotes.

Submissions (2):

Labcorp Genetics (formerly Invitae), Labcorp
Classification: Uncertain significance for Curry-Hall syndrome; Ellis-van Creveld syndrome. Last evaluated: 2025-06-06. Review status: criteria provided, single submitter. Criteria: Invitae Variant Classification Sherloc (09022015). Collection method: clinical testing. Allele origin: germline.
Comment: This sequence change replaces glutamine, which is neutral and polar, with histidine, which is basic and polar, at codon 894 of the EVC2 protein (p.Gln894His). This variant is present in population databases (rs772672973, gnomAD 0.01%). This variant has not been reported in the literature in individuals affected with EVC2-related conditions. ClinVar contains an entry for this variant (Variation ID: 3752484). An algorithm developed to predict the effect of missense changes on protein structure and function (PolyPhen-2) suggests that this variant is likely to be disruptive. In summary, the available evidence is currently insufficient to determine the role of this variant in disease. Therefore, it has been classified as a Variant of Uncertain Significance.

PreventionGenetics, part of Exact Sciences
Classification: Uncertain significance for EVC2-related condition. Last evaluated: 2024-12-30. Review status: criteria provided, single submitter. Criteria: ACMG Guidelines, 2015. Collection method: clinical testing. Allele origin: germline.
Comment: The EVC2 c.2682G>C variant is predicted to result in the amino acid substitution p.Gln894His. To our knowledge, this variant has not been reported in the literature. This variant is reported in 0.012% of alleles in individuals of African descent in gnomAD. At this time, the clinical significance of this variant is uncertain due to the absence of conclusive functional and genetic evidence.

NM_147127.5(EVC2):c.2682G>C (p.Gln894His)

Gene: EVC2 (EvC ciliary complex subunit 2; minus strand). Cytogenetic location: 4p16.2.
Variant type: single nucleotide variant.
Coding change: c.2682G>C on transcript NM_147127.5 (MANE Select); coding-DNA position 2682, G replaced by C.
Protein change: p.Gln894His; replaces glutamine 894 with histidine.
Molecular consequence: missense variant.
Genome position (GRCh38, 1-based): chr4:5,618,502, C>G on the plus strand (G>C on the coding strand, the complement: EVC2 is on the minus strand). VCF-style: chr4-5618502-C-G. GRCh37 (hg19) VCF-style: chr4-5620229-C-G.
Other names: c.2682G>C (NM_147127.4); c.2442G>C, p.Gln814His (NM_001166136.2); short protein forms Q814H, Q894H.
Identifiers: ClinVar variation 3752484 (VCV003752484.3).